The following is an entry in ClinVar:

ClinVar aggregate classification (germline): Uncertain significance (1 of 4 stars; one submission).

Conditions:
Early Myoclonic Encephalopathy. Identifiers: MedGen C0270855.

Allele frequency attached by ClinVar (database versions not stated): gnomAD exomes 0.00002 and 0.00001; gnomAD 0.00001; ExAC 0.00002; TOPMed 0.00002.
gnomAD v4.1: 13 of 1,613,872 alleles (0.00081%); highest among the groups gnomAD compares: Admixed American, 0.0017%; no homozygotes.

Submission:

Labcorp Genetics (formerly Invitae), Labcorp
Classification: Uncertain significance for Early Myoclonic Encephalopathy. Last evaluated: 2025-05-02. Review status: criteria provided, single submitter. Criteria: Invitae Variant Classification Sherloc (09022015). Collection method: clinical testing. Allele origin: germline.
Comment: This sequence change replaces alanine, which is neutral and non-polar, with threonine, which is neutral and polar, at codon 1129 of the JMJD1C protein (p.Ala1129Thr). This variant is present in population databases (rs773344012, gnomAD 0.004%). This variant has not been reported in the literature in individuals affected with JMJD1C-related conditions. ClinVar contains an entry for this variant (Variation ID: 1059619). Invitae Evidence Modeling of protein sequence and biophysical properties (such as structural, functional, and spatial information, amino acid conservation, physicochemical variation, residue mobility, and thermodynamic stability) indicates that this missense variant is not expected to disrupt JMJD1C protein function with a negative predictive value of 80%. In summary, the available evidence is currently insufficient to determine the role of this variant in disease. Therefore, it has been classified as a Variant of Uncertain Significance.

NM_032776.3(JMJD1C):c.3385G>A (p.Ala1129Thr)

Gene: JMJD1C (jumonji domain containing 1C; minus strand). Cytogenetic location: 10q21.3.
Variant type: single nucleotide variant.
Coding change: c.3385G>A on transcript NM_032776.3 (MANE Select); coding-DNA position 3385, G replaced by A.
Protein change: p.Ala1129Thr; replaces alanine 1129 with threonine.
Molecular consequence: missense variant. On other transcripts: non-coding transcript variant (1).
Genome position (GRCh38, 1-based): chr10:63,208,284, C>T on the plus strand (G>A on the coding strand, the complement: JMJD1C is on the minus strand). VCF-style: chr10-63208284-C-T. GRCh37 (hg19) VCF-style: chr10-64968044-C-T.
Other names: c.2839G>A, p.Ala947Thr (NM_001282948.2, NM_001318154.2); c.2521G>A, p.Ala841Thr (NM_001318153.2); c.3271G>A, p.Ala1091Thr (NM_001322252.2); c.2728G>A, p.Ala910Thr (NM_001322254.2, NM_001322258.2); short protein forms A1091T, A1129T, A841T, A910T, A947T.
Identifiers: ClinVar variation 1059619 (VCV001059619.7), dbSNP rs773344012, ClinGen allele CA5518438.